The following is an entry in ClinVar:

NM_005732.4(RAD50):c.2095A>G (p.Ser699Gly)

Gene: RAD50 (RAD50 double strand break repair protein; plus strand). Cytogenetic location: 5q31.1.
Variant type: single nucleotide variant.
Coding change: c.2095A>G on transcript NM_005732.4 (MANE Select); coding-DNA position 2095, A replaced by G.
Protein change: p.Ser699Gly; replaces serine 699 with glycine.
Molecular consequence: missense variant.
Genome position (GRCh38, 1-based): chr5:132,595,698, A>G. VCF-style: chr5-132595698-A-G. GRCh37 (hg19) VCF-style: chr5-131931390-A-G.
Other names: short protein forms S699G.
Identifiers: ClinVar variation 652608 (VCV000652608.9), dbSNP rs1580997074, ClinGen allele CA360950034.

ClinVar aggregate classification (germline): Uncertain significance (1 of 4 stars; one submission).

Conditions:
Hereditary cancer-predisposing syndrome. Also called: Neoplastic Syndromes, Hereditary; Tumor predisposition; Hereditary Cancer Syndrome; Hereditary neoplastic syndrome. Identifiers: Orphanet 140162, MedGen C0027672, MeSH D009386, MONDO:0015356.

Allele frequency attached by ClinVar (database versions not stated): gnomAD exomes below 0.00001.
gnomAD v4.1: 1 of 1,613,826 alleles (0.000062%); highest among the groups gnomAD compares: Non-Finnish European, 0.000085%; no homozygotes.

Submission:

Labcorp Genetics (formerly Invitae), Labcorp
Classification: Uncertain significance for Hereditary cancer-predisposing syndrome. Last evaluated: 2025-01-27. Review status: criteria provided, single submitter. Criteria: Invitae Variant Classification Sherloc (09022015). Collection method: clinical testing. Allele origin: germline.
Comment: This sequence change replaces serine, which is neutral and polar, with glycine, which is neutral and non-polar, at codon 699 of the RAD50 protein (p.Ser699Gly). This variant is not present in population databases (gnomAD no frequency). This variant has not been reported in the literature in individuals affected with RAD50-related conditions. ClinVar contains an entry for this variant (Variation ID: 652608). Invitae Evidence Modeling of protein sequence and biophysical properties (such as structural, functional, and spatial information, amino acid conservation, physicochemical variation, residue mobility, and thermodynamic stability) indicates that this missense variant is not expected to disrupt RAD50 protein function with a negative predictive value of 80%. In summary, the available evidence is currently insufficient to determine the role of this variant in disease. Therefore, it has been classified as a Variant of Uncertain Significance.